The following is an entry in ClinVar:

ClinVar aggregate classification (germline): Uncertain significance (1 of 4 stars; one submission).

Submission:

Women's Health and Genetics/Laboratory Corporation of America, LabCorp
Classification: Uncertain significance. Last evaluated: 2025-07-23. Review status: criteria provided, single submitter. Criteria: LabCorp Variant Classification Summary - May 2015. Collection method: clinical testing. Allele origin: germline.
Comment: Variant summary: CNNM2 c.1325G>T (p.Arg442Leu) results in a non-conservative amino acid change in the encoded protein sequence. Algorithms developed to predict the effect of missense changes on protein structure and function all suggest that this variant is likely to be disruptive. The variant was absent in 251410 control chromosomes. The available data on variant occurrences in the general population are insufficient to allow any conclusion about variant significance. To our knowledge, no occurrence of c.1325G>T in individuals affected with CNNM2-Related Disorders and no experimental evidence demonstrating its impact on protein function have been reported. No submitters have cited clinical-significance assessments for this variant to ClinVar. Based on the evidence outlined above, the variant was classified as uncertain significance.

NM_017649.5(CNNM2):c.1325G>T (p.Arg442Leu)

Gene: CNNM2 (cyclin and CBS domain divalent metal cation transport mediator 2; plus strand). Cytogenetic location: 10q24.32.
Variant type: single nucleotide variant.
Coding change: c.1325G>T on transcript NM_017649.5 (MANE Select); coding-DNA position 1325, G replaced by T.
Protein change: p.Arg442Leu; replaces arginine 442 with leucine.
Molecular consequence: missense variant.
Genome position (GRCh38, 1-based): chr10:102,919,805, G>T. VCF-style: chr10-102919805-G-T. GRCh37 (hg19) VCF-style: chr10-104679562-G-T.
Other names: c.1325G>T, p.Arg442Leu (NM_199076.3, NM_199077.3); short protein forms R442L.
Identifiers: ClinVar variation 4526236 (VCV004526236.1).
Genomic context (GRCh38, chr10:102,919,805, plus strand): 5'-ATCCCTACAACGACCTCGTTAAGGAGGAGCTGAACATCATCCAAGGGGCGCTGGAGCTCC[G>T]CACCAAGACGGTGGAGGACGTGATGACCCCACTCCGGGACTGCTTCATGATCACCGGCGA-3'
Protein context (NP_060119.3, residues 432-452): LNIIQGALEL[Arg442Leu]TKTVEDVMTP